The following is an entry in ClinVar:

ClinVar aggregate classification (germline): Pathogenic. Review status: criteria provided, multiple submitters, no conflicts (2 of 4 stars). 2 submissions from 2 submitters: Pathogenic (2). Last evaluated 2025-07-13.

Conditions:
Myofibrillar myopathy 5. Also called: Filaminopathy (type); FILAMINOPATHY, AUTOSOMAL DOMINANT. Identifiers: Orphanet 171445, MedGen C1836050, MONDO:0012289, OMIM 609524.
Distal myopathy with posterior leg and anterior hand involvement. Also called: WILLIAMS DISTAL MYOPATHY. Identifiers: Orphanet 63273, MedGen C3279722, MONDO:0013550, OMIM 614065.
Hypertrophic cardiomyopathy 26. Also called: Cardiomyopathy, familial hypertrophic, 26. Identifiers: Orphanet 75249, MedGen C4310749, MONDO:0014883, OMIM 617047.
Cardiovascular phenotype. Identifiers: MedGen CN230736.

Submissions (2):

Labcorp Genetics (formerly Invitae), Labcorp
Classification: Pathogenic for Distal myopathy with posterior leg and anterior hand involvement; Myofibrillar myopathy 5; Hypertrophic cardiomyopathy 26. Last evaluated: 2025-07-13. Review status: criteria provided, single submitter. Criteria: Invitae Variant Classification Sherloc (09022015). Collection method: clinical testing. Allele origin: germline.
Comment: This sequence change creates a premature translational stop signal (p.Tyr638*) in the FLNC gene. It is expected to result in an absent or disrupted protein product. Loss-of-function variants in FLNC are known to be pathogenic (PMID: 27908349). This variant is not present in population databases (gnomAD no frequency). This variant has not been reported in the literature in individuals affected with FLNC-related conditions. ClinVar contains an entry for this variant (Variation ID: 1069362). For these reasons, this variant has been classified as Pathogenic.

Ambry Genetics
Classification: Pathogenic for Cardiovascular phenotype. Last evaluated: 2025-03-05. Review status: criteria provided, single submitter. Criteria: Ambry Variant Classification Scheme 2023. Collection method: clinical testing. Allele origin: germline.
Comment: The p.Y638* pathogenic mutation (also known as c.1914C>G), located in coding exon 12 of the FLNC gene, results from a C to G substitution at nucleotide position 1914. This changes the amino acid from a tyrosine to a stop codon within coding exon 12. This variant is considered to be rare based on population cohorts in the Genome Aggregation Database (gnomAD). This alteration is expected to result in loss of function by premature protein truncation or nonsense-mediated mRNA decay. Based on the supporting evidence, this variant is interpreted as a disease-causing mutation for FLNC-related dilated cardiomyopathy; however, its clinical significance for FLNC-related hypertrophic/restrictive cardiomyopathy and/or skeletal myopathy is uncertain.

Literature cited by the submitters: PubMed 27908349 (cited by Labcorp Genetics (formerly Invitae), Labcorp).

NM_001458.5(FLNC):c.1914C>G (p.Tyr638Ter)

Gene: FLNC (filamin C; plus strand). Cytogenetic location: 7q32.1.
Variant type: single nucleotide variant.
Coding change: c.1914C>G on transcript NM_001458.5 (MANE Select); coding-DNA position 1914, C replaced by G.
Protein change: p.Tyr638Ter; replaces tyrosine 638 with a stop codon.
Molecular consequence: nonsense.
Genome position (GRCh38, 1-based): chr7:128,841,270, C>G. VCF-style: chr7-128841270-C-G. GRCh37 (hg19) VCF-style: chr7-128481324-C-G.
Other names: c.1914C>G, p.Tyr638Ter (NM_001127487.2); c.1914C>G (NM_001458.4); short protein forms Y638*.
Identifiers: ClinVar variation 1069362 (VCV001069362.8), dbSNP rs757352623, ClinGen allele CA369227353.